The following is an entry in ClinVar:

NM_000089.4(COL1A2):c.1863+1G>A

Gene: COL1A2 (collagen type I alpha 2 chain; plus strand). Cytogenetic location: 7q21.3.
Variant type: single nucleotide variant.
Coding change: c.1863+1G>A on transcript NM_000089.4 (MANE Select); the canonical splice donor site of the intron after coding-DNA position 1863, G replaced by A.
Molecular consequence: splice donor variant.
Genome position (GRCh38, 1-based): chr7:94,416,504, G>A. VCF-style: chr7-94416504-G-A. GRCh37 (hg19) VCF-style: chr7-94045816-G-A.
Identifiers: ClinVar variation 4540413 (VCV004540413.1).

ClinVar aggregate classification (germline): Pathogenic (1 of 4 stars; one submission).

Conditions:
Osteogenesis imperfecta, perinatal lethal (OI2). Also called: OI, TYPE II; OSTEOGENESIS IMPERFECTA CONGENITA; VROLIK TYPE OF OSTEOGENESIS IMPERFECTA; OSTEOGENESIS IMPERFECTA, TYPE II; Osteogenesis imperfecta type 2; Osteogenesis imperfecta, dominant perinatal lethal. Identifiers: Orphanet 216804, MedGen C0268358, MONDO:0008147, OMIM 166210.

Submission:

MVZ Medizinische Genetik Mainz
Classification: Pathogenic for Osteogenesis imperfecta, perinatal lethal. Last evaluated: 2025-10-27. Review status: criteria provided, single submitter. Criteria: UK Practice Guidelines For Variant Classification V4 01 2020. Collection method: clinical testing. Allele origin: germline. Inheritance: Autosomal dominant inheritance. Affected: yes. Observed: 1 variant allele.
Comment: ACMG Criteria: PVS1,PM2_SUP